The following is an entry in ClinVar:

ClinVar aggregate classification (germline): Uncertain significance (1 of 4 stars; one submission).

Conditions:
Myopathy, centronuclear, 2 (CNM2). Also called: MYOTUBULAR MYOPATHY, AUTOSOMAL RECESSIVE. Identifiers: Orphanet 169186, MedGen CN031787, MONDO:0009709, OMIM 255200.

Allele frequency attached by ClinVar (database versions not stated): gnomAD exomes below 0.00001.
gnomAD v4.1: 1 of 1,584,380 alleles (0.000063%); highest among the groups gnomAD compares: Non-Finnish European, 0.000086%; no homozygotes.

Submission:

Labcorp Genetics (formerly Invitae), Labcorp
Classification: Uncertain significance for Myopathy, centronuclear, 2. Last evaluated: 2023-03-17. Review status: criteria provided, single submitter. Criteria: Invitae Variant Classification Sherloc (09022015). Collection method: clinical testing. Allele origin: germline.
Comment: In summary, the available evidence is currently insufficient to determine the role of this variant in disease. Therefore, it has been classified as a Variant of Uncertain Significance. Advanced modeling of protein sequence and biophysical properties (such as structural, functional, and spatial information, amino acid conservation, physicochemical variation, residue mobility, and thermodynamic stability) performed at Invitae indicates that this missense variant is not expected to disrupt BIN1 protein function. ClinVar contains an entry for this variant (Variation ID: 2130394). This variant has not been reported in the literature in individuals affected with BIN1-related conditions. The frequency data for this variant in the population databases is considered unreliable, as metrics indicate poor data quality at this position in the gnomAD database. This sequence change replaces valine, which is neutral and non-polar, with glycine, which is neutral and non-polar, at codon 312 of the BIN1 protein (p.Val312Gly).

NM_139343.3(BIN1):c.935T>G (p.Val312Gly)

Gene: BIN1 (bridging integrator 1; minus strand). Cytogenetic location: 2q14.3.
Variant type: single nucleotide variant.
Coding change: c.935T>G on transcript NM_139343.3 (MANE Select); coding-DNA position 935, T replaced by G.
Protein change: p.Val312Gly; replaces valine 312 with glycine.
Molecular consequence: missense variant.
Genome position (GRCh38, 1-based): chr2:127,059,078, A>C on the plus strand (T>G on the coding strand, the complement: BIN1 is on the minus strand). VCF-style: chr2-127059078-A-C. GRCh37 (hg19) VCF-style: chr2-127816654-A-C.
Other names: c.887T>G, p.Val296Gly (NM_001320632.2, NM_004305.4, NM_139346.3); c.935T>G, p.Val312Gly (NM_001320633.2, NM_001320640.2, NM_139344.3 and 1 more transcripts); c.770T>G, p.Val257Gly (NM_001320634.1); c.842T>G, p.Val281Gly (NM_001320641.2, NM_139347.3, NM_139348.3 and 3 more transcripts); c.854T>G, p.Val285Gly (NM_001320642.1); short protein forms V296G, V312G, V257G, V281G, V285G.
Identifiers: ClinVar variation 2130394 (VCV002130394.4), dbSNP rs1422301836, ClinGen allele CA348379494.